The following is an entry in ClinVar:

NM_000321.3(RB1):c.2308C>T (p.Gln770Ter)

Gene: RB1 (RB transcriptional corepressor 1; plus strand). Cytogenetic location: 13q14.2.
Variant type: single nucleotide variant.
Coding change: c.2308C>T on transcript NM_000321.3 (MANE Select); coding-DNA position 2308, C replaced by T.
Protein change: p.Gln770Ter; replaces glutamine 770 with a stop codon.
Molecular consequence: nonsense.
Genome position (GRCh38, 1-based): chr13:48,465,094, C>T. VCF-style: chr13-48465094-C-T. GRCh37 (hg19) VCF-style: chr13-49039230-C-T.
Other names: short protein forms Q770*.
Identifiers: ClinVar variation 995908 (VCV000995908.6), dbSNP rs2138344987, ClinGen allele CA388167698.
Genomic context (GRCh38, chr13:48,465,094, plus strand): 5'-GATTCTATTATAGTATTCTATAACTCGGTCTTCATGCAGAGACTGAAAACAAATATTTTG[C>T]AGTATGCTTCCACCAGGGTAGGTCAAAAGTATCCTTTGATTGGAAAAATCTAATGTAATG-3'

ClinVar aggregate classification (germline): Pathogenic. Review status: criteria provided, multiple submitters, no conflicts (2 of 4 stars). 2 submissions from 2 submitters: Pathogenic (2). Last evaluated 2025-10-23.

Conditions:
Retinoblastoma (RB1). Also called: RETINOBLASTOMA, SOMATIC. Identifiers: Orphanet 790, MedGen C0035335, MeSH D012175, MONDO:0008380, OMIM 180200, HP:0009919. Disease mechanism: loss of function. Inheritance: Both sporadic and heritable forms are tested..

Submissions (2):

Labcorp Genetics (formerly Invitae), Labcorp
Classification: Pathogenic for Retinoblastoma. Last evaluated: 2025-10-23. Review status: criteria provided, single submitter. Criteria: Invitae Variant Classification Sherloc (09022015). Collection method: clinical testing. Allele origin: germline.
Comment: This sequence change creates a premature translational stop signal (p.Gln770*) in the RB1 gene. It is expected to result in an absent or disrupted protein product. Loss-of-function variants in RB1 are known to be pathogenic (PMID: 17096365). This variant is not present in population databases (gnomAD no frequency). This premature translational stop signal has been observed in individual(s) with retinoblastoma (PMID: 12541220, 34308366). ClinVar contains an entry for this variant (Variation ID: 995908). Algorithms developed to predict the effect of sequence changes on RNA splicing suggest that this variant may disrupt the consensus splice site. For these reasons, this variant has been classified as Pathogenic.

Department of Pediatrics, Memorial Sloan Kettering Cancer Center
Classification: Pathogenic for Retinoblastoma. Last evaluated: 2020-12-15. Review status: criteria provided, single submitter. Criteria: ACMG Guidelines, 2015. Collection method: research. Allele origin: germline. Affected: yes.

Literature cited by the submitters: PubMed 17096365 (cited by Labcorp Genetics (formerly Invitae), Labcorp); PubMed 12541220 (cited by Labcorp Genetics (formerly Invitae), Labcorp); PubMed 34308366 (cited by Labcorp Genetics (formerly Invitae), Labcorp); PubMed 28873162 (cited by Department of Pediatrics, Memorial Sloan Kettering Cancer Center).